The following is an entry in ClinVar:

NM_001348716.2(KDM6B):c.41G>A (p.Arg14Gln)

Gene: KDM6B (lysine demethylase 6B; plus strand). Cytogenetic location: 17p13.1.
Variant type: single nucleotide variant.
Coding change: c.41G>A on transcript NM_001348716.2 (MANE Select); coding-DNA position 41, G replaced by A.
Protein change: p.Arg14Gln; replaces arginine 14 with glutamine.
Molecular consequence: missense variant.
Genome position (GRCh38, 1-based): chr17:7,845,595, G>A. VCF-style: chr17-7845595-G-A. GRCh37 (hg19) VCF-style: chr17-7748913-G-A.
Other names: c.41G>A, p.Arg14Gln (NM_001080424.2); short protein forms R14Q.
Identifiers: ClinVar variation 3049542 (VCV003049542.3), dbSNP rs527933230, ClinGen allele CA8360034.

ClinVar aggregate classification (germline): Uncertain significance. Review status: criteria provided, single submitter (1 of 4 stars). 2 submissions from 2 submitters: Uncertain significance (1). 1 of the submissions does not count toward it. Last evaluated 2025-01-08.

Conditions:
KDM6B-related disorder. Also called: KDM6B-related condition.
Inborn genetic diseases. Identifiers: MedGen C0950123, MeSH D030342.

Allele frequency attached by ClinVar (database versions not stated): ExAC 0.00003; gnomAD 0.00009; TOPMed 0.00009; 1000 Genomes Project 0.00020; 1000 Genomes Project 30x 0.00047.

Submissions (2):

Ambry Genetics
Classification: Uncertain significance for Inborn genetic diseases. Last evaluated: 2025-01-08. Review status: criteria provided, single submitter. Criteria: Ambry Variant Classification Scheme 2023. Collection method: clinical testing. Allele origin: germline.

PreventionGenetics, part of Exact Sciences
Classification: Likely benign for KDM6B-related condition. Last evaluated: 2023-01-27. Review status: no assertion criteria provided. Collection method: clinical testing. Allele origin: germline. Not counted in ClinVar's aggregate classification.
Comment: This variant is classified as likely benign based on ACMG/AMP sequence variant interpretation guidelines (Richards et al. 2015 PMID: 25741868, with internal and published modifications).